The following is an entry in ClinVar:

NM_145038.5(DRC1):c.1585G>A (p.Asp529Asn)

Gene: DRC1 (dynein regulatory complex subunit 1; plus strand). Cytogenetic location: 2p23.3.
Variant type: single nucleotide variant.
Coding change: c.1585G>A on transcript NM_145038.5 (MANE Select); coding-DNA position 1585, G replaced by A.
Protein change: p.Asp529Asn; replaces aspartic acid 529 with asparagine.
Molecular consequence: missense variant.
Genome position (GRCh38, 1-based): chr2:26,450,071, G>A. VCF-style: chr2-26450071-G-A. GRCh37 (hg19) VCF-style: chr2-26672939-G-A.
Other names: short protein forms D529N.
Identifiers: ClinVar variation 1367491 (VCV001367491.6), dbSNP rs201581530, ClinGen allele CA1562312.

ClinVar aggregate classification (germline): Uncertain significance (1 of 4 stars; one submission).

Conditions:
Primary ciliary dyskinesia. Also called: Ciliary dyskinesia. Identifiers: Orphanet 244, MedGen C0008780, MONDO:0016575, HP:0012265.

Allele frequency attached by ClinVar (database versions not stated): gnomAD 0.00003; gnomAD exomes 0.00008 and 0.00013; ExAC 0.00014; 1000 Genomes Project 0.00020; 1000 Genomes Project 30x 0.00031.

Submission:

Labcorp Genetics (formerly Invitae), Labcorp
Classification: Uncertain significance for Primary ciliary dyskinesia. Last evaluated: 2025-11-23. Review status: criteria provided, single submitter. Criteria: Invitae Variant Classification Sherloc (09022015). Collection method: clinical testing. Allele origin: germline.
Comment: This sequence change replaces aspartic acid, which is acidic and polar, with asparagine, which is neutral and polar, at codon 529 of the DRC1 protein (p.Asp529Asn). This variant is present in population databases (rs201581530, gnomAD 0.1%), including at least one homozygous and/or hemizygous individual. This variant has not been reported in the literature in individuals affected with DRC1-related conditions. ClinVar contains an entry for this variant (Variation ID: 1367491). An algorithm developed to predict the effect of missense changes on protein structure and function (PolyPhen-2) suggests that this variant is likely to be disruptive. In summary, the available evidence is currently insufficient to determine the role of this variant in disease. Therefore, it has been classified as a Variant of Uncertain Significance.